The following is an entry in ClinVar:

NM_000235.4(LIPA):c.739G>T (p.Val247Phe)

Gene: LIPA (lipase A, lysosomal acid type; minus strand). Cytogenetic location: 10q23.31.
Variant type: single nucleotide variant.
Coding change: c.739G>T on transcript NM_000235.4 (MANE Select); coding-DNA position 739, G replaced by T.
Protein change: p.Val247Phe; replaces valine 247 with phenylalanine.
Molecular consequence: missense variant.
Genome position (GRCh38, 1-based): chr10:89,223,767, C>A on the plus strand (G>T on the coding strand, the complement: LIPA is on the minus strand). VCF-style: chr10-89223767-C-A. GRCh37 (hg19) VCF-style: chr10-90983524-C-A.
Other names: c.739G>T, p.Val247Phe (NM_001127605.3); c.391G>T, p.Val131Phe (NM_001288979.2); short protein forms V131F, V247F.
Identifiers: ClinVar variation 3230715 (VCV003230715.1), dbSNP rs750153287, ClinGen allele CA377516991.

ClinVar aggregate classification (germline): Uncertain significance (1 of 4 stars; one submission).

Conditions:
Cardiovascular phenotype. Identifiers: MedGen CN230736.

gnomAD v4.1: 1 of 1,613,732 alleles (0.000062%); highest among the groups gnomAD compares: Non-Finnish European, 0.000085%; no homozygotes.

Submission:

Ambry Genetics
Classification: Uncertain significance for Cardiovascular phenotype. Last evaluated: 2023-10-10. Review status: criteria provided, single submitter. Criteria: Ambry Variant Classification Scheme 2023. Collection method: clinical testing. Allele origin: germline.
Comment: The p.V247F variant (also known as c.739G>T), located in coding exon 6 of the LIPA gene, results from a G to T substitution at nucleotide position 739. The valine at codon 247 is replaced by phenylalanine, an amino acid with highly similar properties. This amino acid position is conserved. In addition, this alteration is predicted to be tolerated by in silico analysis. Since supporting evidence is limited at this time, the clinical significance of this alteration remains unclear.